The following is an entry in ClinVar:

NM_005157.6(ABL1):c.1513G>A (p.Glu505Lys)

Gene: ABL1 (ABL proto-oncogene 1, non-receptor tyrosine kinase; plus strand). Cytogenetic location: 9q34.12.
Variant type: single nucleotide variant.
Coding change: c.1513G>A on transcript NM_005157.6 (MANE Select); coding-DNA position 1513, G replaced by A.
Protein change: p.Glu505Lys; replaces glutamic acid 505 with lysine.
Molecular consequence: missense variant.
Genome position (GRCh38, 1-based): chr9:130,880,157, G>A. VCF-style: chr9-130880157-G-A. GRCh37 (hg19) VCF-style: chr9-133755544-G-A.
Other names: c.1570G>A, p.Glu524Lys (NM_007313.3); short protein forms E505K, E524K.
Identifiers: ClinVar variation 2431598 (VCV002431598.2), dbSNP rs2133022666, ClinGen allele CA375251733.

ClinVar aggregate classification (germline): Uncertain significance (1 of 4 stars; one submission).

Conditions:
Congenital heart defects and skeletal malformations syndrome. Identifiers: Orphanet 643503, MedGen C4539857, MONDO:0060532, OMIM 617602.

Allele frequency attached by ClinVar (database versions not stated): gnomAD exomes below 0.00001.
gnomAD v4.1: 1 of 1,613,946 alleles (0.000062%); no homozygotes.

Submission:

Laboratorio de Genetica e Diagnostico Molecular, Hospital Israelita Albert Einstein
Classification: Uncertain significance for Congenital heart defects and skeletal malformations syndrome. Last evaluated: 2023-01-19. Review status: criteria provided, single submitter. Criteria: ACMG Guidelines, 2015. Collection method: clinical testing. Allele origin: germline. Affected: yes.
Comment: ACMG classification criteria: PM2 moderated